The following is an entry in ClinVar:

NM_198271.5(LMOD3):c.1379T>C (p.Val460Ala)

Gene: LMOD3 (leiomodin 3; minus strand). Cytogenetic location: 3p14.1.
Variant type: single nucleotide variant.
Coding change: c.1379T>C on transcript NM_198271.5 (MANE Select); coding-DNA position 1379, T replaced by C.
Protein change: p.Val460Ala; replaces valine 460 with alanine.
Molecular consequence: missense variant.
Genome position (GRCh38, 1-based): chr3:69,118,976, A>G on the plus strand (T>C on the coding strand, the complement: LMOD3 is on the minus strand). VCF-style: chr3-69118976-A-G. GRCh37 (hg19) VCF-style: chr3-69168127-A-G.
Other names: c.1379T>C, p.Val460Ala (NM_001304418.3); short protein forms V460A.
Identifiers: ClinVar variation 1003701 (VCV001003701.5), dbSNP rs1310959515, ClinGen allele CA353470862.

ClinVar aggregate classification (germline): Uncertain significance (1 of 4 stars; one submission).

Conditions:
Nemaline myopathy 10 (NEM10). Identifiers: MedGen C4015360, MONDO:0014513, OMIM 616165.

Allele frequency attached by ClinVar (database versions not stated): gnomAD exomes below 0.00001.

Submission:

Labcorp Genetics (formerly Invitae), Labcorp
Classification: Uncertain significance for Nemaline myopathy 10. Last evaluated: 2022-07-25. Review status: criteria provided, single submitter. Criteria: Invitae Variant Classification Sherloc (09022015). Collection method: clinical testing. Allele origin: germline.
Comment: This sequence change replaces valine, which is neutral and non-polar, with alanine, which is neutral and non-polar, at codon 460 of the LMOD3 protein (p.Val460Ala). This variant is present in population databases (no rsID available, gnomAD 0.0009%). This variant has not been reported in the literature in individuals affected with LMOD3-related conditions. ClinVar contains an entry for this variant (Variation ID: 1003701). Algorithms developed to predict the effect of missense changes on protein structure and function output the following: SIFT: "Tolerated"; PolyPhen-2: "Benign"; Align-GVGD: "Class C0". The alanine amino acid residue is found in multiple mammalian species, which suggests that this missense change does not adversely affect protein function. In summary, the available evidence is currently insufficient to determine the role of this variant in disease. Therefore, it has been classified as a Variant of Uncertain Significance.